The following is an entry in ClinVar:

NM_014165.4(NDUFAF4):c.240G>C (p.Gln80His)

Gene: NDUFAF4 (NADH:ubiquinone oxidoreductase complex assembly factor 4; minus strand). Cytogenetic location: 6q16.1.
Variant type: single nucleotide variant.
Coding change: c.240G>C on transcript NM_014165.4 (MANE Select); coding-DNA position 240, G replaced by C.
Protein change: p.Gln80His; replaces glutamine 80 with histidine.
Molecular consequence: missense variant.
Genome position (GRCh38, 1-based): chr6:96,896,744, C>G on the plus strand (G>C on the coding strand, the complement: NDUFAF4 is on the minus strand). VCF-style: chr6-96896744-C-G. GRCh37 (hg19) VCF-style: chr6-97344620-C-G.
Other names: c.240G>C (NM_014165.2); short protein forms Q80H.
Identifiers: ClinVar variation 1955431 (VCV001955431.4), dbSNP rs1260934874, ClinGen allele CA365280718.
Genomic context (GRCh38, chr6:96,896,744, plus strand): 5'-ATTTTCCTGAAGCCCCAAAATAAGTAAATTGTGTATTCACTTAATTAAACACACATTTAC[C>G]TGCAAGGAAGACACAGGATCTTTGGAATCAACATACACATCTTTTAGAAACGACAGCAGC-3'
Protein context (NP_054884.1, residues 70-90): VDSKDPVSSL[Gln80His]VKAAETCQEP

ClinVar aggregate classification (germline): Uncertain significance. Review status: criteria provided, multiple submitters, no conflicts (2 of 4 stars). 2 submissions from 2 submitters: Uncertain significance (2). Last evaluated 2024-10-14.

Allele frequency attached by ClinVar (database versions not stated): gnomAD 0.00001; gnomAD exomes 0.00001; TOPMed 0.00002.
gnomAD v4.1: 13 of 1,607,046 alleles (0.00081%); highest among the groups gnomAD compares: Non-Finnish European, 0.0011%; no homozygotes.

Submissions (2):

GeneDx
Classification: Uncertain significance. Last evaluated: 2024-10-14. Review status: criteria provided, single submitter. Criteria: GeneDx Variant Classification Process June 2021. Collection method: clinical testing. Allele origin: germline. Affected: yes.
Comment: Not observed at significant frequency in large population cohorts (gnomAD); In silico analysis supports a deleterious effect on splicing; In silico analysis indicates that this missense variant does not alter protein structure/function; Has not been previously published as pathogenic or benign to our knowledge

Labcorp Genetics (formerly Invitae), Labcorp
Classification: Uncertain significance. Last evaluated: 2023-09-17. Review status: criteria provided, single submitter. Criteria: Invitae Variant Classification Sherloc (09022015). Collection method: clinical testing. Allele origin: germline.
Comment: In summary, the available evidence is currently insufficient to determine the role of this variant in disease. Therefore, it has been classified as a Variant of Uncertain Significance. Variants that disrupt the consensus splice site are a relatively common cause of aberrant splicing (PMID: 17576681, 9536098). Algorithms developed to predict the effect of sequence changes on RNA splicing suggest that this variant may disrupt the consensus splice site. An algorithm developed to predict the effect of missense changes on protein structure and function (PolyPhen-2) suggests that this variant is likely to be disruptive. ClinVar contains an entry for this variant (Variation ID: 1955431). This variant has not been reported in the literature in individuals affected with NDUFAF4-related conditions. This variant is present in population databases (no rsID available, gnomAD 0.0009%). This sequence change replaces glutamine, which is neutral and polar, with histidine, which is basic and polar, at codon 80 of the NDUFAF4 protein (p.Gln80His). This variant also falls at the last nucleotide of exon 2, which is part of the consensus splice site for this exon.

Literature cited by the submitters: PubMed 17576681 (cited by Labcorp Genetics (formerly Invitae), Labcorp); PubMed 9536098 (cited by Labcorp Genetics (formerly Invitae), Labcorp).